The following is an entry in ClinVar:

NM_003072.5(SMARCA4):c.1041G>A (p.Gln347=)

Gene: SMARCA4 (SWI/SNF related BAF chromatin remodeling complex subunit ATPase 4; plus strand). Cytogenetic location: 19p13.2.
Variant type: single nucleotide variant.
Coding change: c.1041G>A on transcript NM_003072.5 (MANE Select); coding-DNA position 1041, G replaced by A.
Protein change: p.Gln347=; no amino-acid change (glutamine 347 retained).
Molecular consequence: synonymous variant. On other transcripts: non-coding transcript variant (1).
Genome position (GRCh38, 1-based): chr19:10,987,847, G>A. VCF-style: chr19-10987847-G-A. GRCh37 (hg19) VCF-style: chr19-11098523-G-A.
Other names: c.1041G>A, p.Gln347= (NM_001374457.1, NM_001387283.1, NM_001128844.3 and 5 more transcripts).
Identifiers: ClinVar variation 1122939 (VCV001122939.13), dbSNP rs773687860, ClinGen allele CA9203662.

ClinVar aggregate classification (germline): Benign/Likely benign. Review status: criteria provided, multiple submitters, no conflicts (2 of 4 stars). 4 submissions from 4 submitters: Benign (1); Likely benign (3). Last evaluated 2026-07-09.

Conditions:
Hereditary cancer-predisposing syndrome. Also called: Hereditary Cancer Syndrome; Hereditary neoplastic syndrome; Neoplastic Syndromes, Hereditary; Tumor predisposition. Identifiers: Orphanet 140162, MedGen C0027672, MeSH D009386, MONDO:0015356.
SMARCA4-related disorder. Also called: SMARCA4-related condition.
Rhabdoid tumor predisposition syndrome 2 (RTPS2). Identifiers: Orphanet 231108, Orphanet 69077, MedGen C2750074, MONDO:0013224, OMIM 613325.

Allele frequency attached by ClinVar (database versions not stated): TOPMed below 0.00001; ExAC 0.00001; gnomAD 0.00001; gnomAD exomes 0.00001.
gnomAD v4.1: 4 of 1,611,882 alleles (0.00025%); highest among the groups gnomAD compares: East Asian, 0.0089%; no homozygotes.

Submissions (4):

Myriad Genetics, Inc.
Classification: Benign for Rhabdoid tumor predisposition syndrome 2. Last evaluated: 2026-07-09. Review status: criteria provided, single submitter. Criteria: Myriad Autosomal Dominant, Autosomal Recessive and X-Linked Classification Criteria (2023). Collection method: clinical testing. Allele origin: unknown.
Comment: This variant is considered benign. This variant is a silent/synonymous amino acid change and it is not expected to impact splicing.

PreventionGenetics, part of Exact Sciences
Classification: Likely benign for SMARCA4-related condition. Last evaluated: 2026-03-12. Review status: criteria provided, single submitter. Criteria: ACMG Guidelines, 2015. Collection method: clinical testing. Allele origin: germline.
Comment: This variant is classified as likely benign based on ACMG/AMP sequence variant interpretation guidelines (Richards et al. 2015 PMID: 25741868, with internal and published modifications).

Labcorp Genetics (formerly Invitae), Labcorp
Classification: Likely benign for Rhabdoid tumor predisposition syndrome 2. Last evaluated: 2026-01-28. Review status: criteria provided, single submitter. Criteria: Invitae Variant Classification Sherloc (09022015). Collection method: clinical testing. Allele origin: germline.

Ambry Genetics
Classification: Likely benign for Hereditary cancer-predisposing syndrome. Last evaluated: 2020-03-04. Review status: criteria provided, single submitter. Criteria: Ambry Variant Classification Scheme 2023. Collection method: clinical testing. Allele origin: germline.